The following is an entry in ClinVar:

ClinVar aggregate classification (germline): Uncertain significance. Review status: criteria provided, multiple submitters, no conflicts (2 of 4 stars). 3 submissions from 3 submitters: Uncertain significance (3). Last evaluated 2025-10-01.

Conditions:
Inborn genetic diseases. Identifiers: MedGen C0950123, MeSH D030342.

Allele frequency attached by ClinVar (database versions not stated): gnomAD exomes 0.00002; gnomAD 0.00003 and 0.00004; TOPMed 0.00003; ExAC 0.00004; ESP Exome Variant Server 0.00008.
gnomAD v4.1: 23 of 1,614,060 alleles (0.0014%); highest among the groups gnomAD compares: African/African-American, 0.011%; no homozygotes.

Submissions (3):

Labcorp Genetics (formerly Invitae), Labcorp
Classification: Uncertain significance. Last evaluated: 2025-10-01. Review status: criteria provided, single submitter. Criteria: Invitae Variant Classification Sherloc (09022015). Collection method: clinical testing. Allele origin: germline.
Comment: This sequence change replaces valine, which is neutral and non-polar, with isoleucine, which is neutral and non-polar, at codon 148 of the TRPM1 protein (p.Val148Ile). This variant is present in population databases (rs368657105, gnomAD 0.01%). This variant has not been reported in the literature in individuals affected with TRPM1-related conditions. ClinVar contains an entry for this variant (Variation ID: 1489388). Invitae Evidence Modeling of protein sequence and biophysical properties (such as structural, functional, and spatial information, amino acid conservation, physicochemical variation, residue mobility, and thermodynamic stability) has been performed for this missense variant. However, the output from this modeling did not meet the statistical confidence thresholds required to predict the impact of this variant on TRPM1 protein function. In summary, the available evidence is currently insufficient to determine the role of this variant in disease. Therefore, it has been classified as a Variant of Uncertain Significance.

Ambry Genetics
Classification: Uncertain significance for Inborn genetic diseases. Last evaluated: 2025-05-06. Review status: criteria provided, single submitter. Criteria: Ambry Variant Classification Scheme 2023. Collection method: clinical testing. Allele origin: germline.

Blueprint Genetics
Classification: Uncertain significance. Last evaluated: 2021-12-08. Review status: criteria provided, single submitter. Criteria: ACMG Guidelines, 2015. Collection method: clinical testing. Allele origin: germline.

NM_001252024.2(TRPM1):c.508G>A (p.Val170Ile)

Gene: TRPM1 (transient receptor potential cation channel subfamily M member 1; minus strand). Cytogenetic location: 15q13.3.
Variant type: single nucleotide variant.
Coding change: c.508G>A on transcript NM_001252024.2 (MANE Select); coding-DNA position 508, G replaced by A.
Protein change: p.Val170Ile; replaces valine 170 with isoleucine.
Molecular consequence: missense variant.
Genome position (GRCh38, 1-based): chr15:31,067,173, C>T on the plus strand (G>A on the coding strand, the complement: TRPM1 is on the minus strand). VCF-style: chr15-31067173-C-T. GRCh37 (hg19) VCF-style: chr15-31359376-C-T.
Other names: c.559G>A, p.Val187Ile (NM_001252020.2); c.442G>A, p.Val148Ile (NM_002420.6); c.442G>A (NM_002420.4); short protein forms V148I, V170I, V187I.
Identifiers: ClinVar variation 1489388 (VCV001489388.9), dbSNP rs368657105, ClinGen allele CA7452922.